The following is an entry in ClinVar:

NM_014727.3(KMT2B):c.592C>T (p.Arg198Trp)

Gene: KMT2B (lysine methyltransferase 2B; plus strand). Cytogenetic location: 19q13.12.
Variant type: single nucleotide variant.
Coding change: c.592C>T on transcript NM_014727.3 (MANE Select); coding-DNA position 592, C replaced by T.
Protein change: p.Arg198Trp; replaces arginine 198 with tryptophan.
Molecular consequence: missense variant.
Genome position (GRCh38, 1-based): chr19:35,719,939, C>T. VCF-style: chr19-35719939-C-T. GRCh37 (hg19) VCF-style: chr19-36210841-C-T.
Other names: short protein forms R198W.
Identifiers: ClinVar variation 1302841 (VCV001302841.2), dbSNP rs1486195468, ClinGen allele CA405379391.

ClinVar aggregate classification (germline): Uncertain significance (1 of 4 stars; one submission).

Allele frequency attached by ClinVar (database versions not stated): gnomAD 0.00001; TOPMed below 0.00001; gnomAD exomes 0.00001.
gnomAD v4.1: 8 of 1,613,314 alleles (0.0005%); highest among the groups gnomAD compares: East Asian, 0.0022%; no homozygotes.

Submission:

GeneDx
Classification: Uncertain significance. Last evaluated: 2020-01-06. Review status: criteria provided, single submitter. Criteria: GeneDx Variant Classification Process June 2021. Collection method: clinical testing. Allele origin: germline. Affected: yes.
Comment: Not observed at a significant frequency in large population cohorts (Lek et al., 2016); In silico analysis, which includes protein predictors and evolutionary conservation, supports that this variant does not alter protein structure/function; Has not been previously published as pathogenic or benign to our knowledge